The following is an entry in ClinVar:

NM_053025.4(MYLK):c.454C>T (p.Arg152Cys)

Gene: MYLK (myosin light chain kinase; minus strand). Cytogenetic location: 3q21.1.
Variant type: single nucleotide variant.
Coding change: c.454C>T on transcript NM_053025.4 (MANE Select); coding-DNA position 454, C replaced by T.
Protein change: p.Arg152Cys; replaces arginine 152 with cysteine.
Molecular consequence: missense variant. On other transcripts: 5 prime UTR variant (1).
Genome position (GRCh38, 1-based): chr3:123,739,031, G>A on the plus strand (C>T on the coding strand, the complement: MYLK is on the minus strand). VCF-style: chr3-123739031-G-A. GRCh37 (hg19) VCF-style: chr3-123457878-G-A.
Other names: c.-75C>T (NM_001321309.2); c.454C>T, p.Arg152Cys (NM_053026.4, NM_053027.4, NM_053028.4); short protein forms R152C.
Identifiers: ClinVar variation 1320793 (VCV001320793.12), dbSNP rs559933360, ClinGen allele CA072036.
Genomic context (GRCh38, chr3:123,739,031, plus strand): 5'-CCACAACTCGGCCCAGCTTGGTAGCAAACTTTGGTGGGCACTCCCCCCAGATGCTAGGAC[G>A]GGTCTCCACTGCTGGAGCTGAAAATCTATCCCTGTAAGGAAATTGGCAGAGAATCCAGTC-3'
Protein context (NP_444253.3, residues 142-162): DRFSAPAVET[Arg152Cys]PSIWGECPPK

ClinVar aggregate classification (germline): Uncertain significance. Review status: criteria provided, multiple submitters, no conflicts (2 of 4 stars). 5 submissions from 5 submitters: Uncertain significance (5). Last evaluated 2026-01-01.

Conditions:
MYLK-related disorder. Also called: MYLK-related condition.
Aortic aneurysm, familial thoracic 7 (AAT7). Also called: AORTIC DISSECTION, FAMILIAL, WITH OR WITHOUT AORTIC ANEURYSM. Identifiers: MedGen C3151077, MONDO:0013418, OMIM 613780.
Megacystis-microcolon-intestinal hypoperistalsis syndrome 1. Identifiers: MedGen C5542316, MONDO:0100354, OMIM 249210.
Familial thoracic aortic aneurysm and aortic dissection (TAAD). Also called: Thoracic aortic aneurysms and dissections. Identifiers: Orphanet 91387, MedGen C4707243, MONDO:0019625.

Allele frequency attached by ClinVar (database versions not stated): gnomAD 0.00006; TOPMed 0.00006; 1000 Genomes Project 30x 0.00016; 1000 Genomes Project 0.00020.
gnomAD v4.1: 86 of 1,613,850 alleles (0.0053%); highest among the groups gnomAD compares: Admixed American, 0.0067%; no homozygotes.

Submissions (5):

GeneDx
Classification: Uncertain significance. Last evaluated: 2026-01-01. Review status: criteria provided, single submitter. Criteria: GeneDx Variant Classification Process June 2021. Collection method: clinical testing. Allele origin: germline. Affected: yes.
Comment: Reported in an individual with sudden death due to thoracic aortic dissection and a history of bicuspid aortic valve and left ventricular hypertrophy (PMID: 28391405); In silico analysis supports that this missense variant has a deleterious effect on protein structure/function; This variant is associated with the following publications: (PMID: 28391405)

Labcorp Genetics (formerly Invitae), Labcorp
Classification: Uncertain significance for Aortic aneurysm, familial thoracic 7. Last evaluated: 2024-08-29. Review status: criteria provided, single submitter. Criteria: Invitae Variant Classification Sherloc (09022015). Collection method: clinical testing. Allele origin: germline.
Comment: This sequence change replaces arginine, which is basic and polar, with cysteine, which is neutral and slightly polar, at codon 152 of the MYLK protein (p.Arg152Cys). This variant is present in population databases (rs559933360, gnomAD 0.01%). This variant has not been reported in the literature in individuals affected with MYLK-related conditions. ClinVar contains an entry for this variant (Variation ID: 1320793). Invitae Evidence Modeling of protein sequence and biophysical properties (such as structural, functional, and spatial information, amino acid conservation, physicochemical variation, residue mobility, and thermodynamic stability) indicates that this missense variant is not expected to disrupt MYLK protein function with a negative predictive value of 95%. In summary, the available evidence is currently insufficient to determine the role of this variant in disease. Therefore, it has been classified as a Variant of Uncertain Significance.

Ambry Genetics
Classification: Uncertain significance for Familial thoracic aortic aneurysm and aortic dissection. Last evaluated: 2024-01-02. Review status: criteria provided, single submitter. Criteria: Ambry Variant Classification Scheme 2023. Collection method: clinical testing. Allele origin: germline.
Comment: The p.R152C variant (also known as c.454C>T), located in coding exon 4 of the MYLK gene, results from a C to T substitution at nucleotide position 454. The arginine at codon 152 is replaced by cysteine, an amino acid with highly dissimilar properties. This variant has been detected in an individual from a thoracic aortic dissection cohort (Gago-D&iacute;az M et al. Int J Legal Med, 2017 Sep;131:1211-1219). This amino acid position is well conserved in available vertebrate species. In addition, this alteration is predicted to be tolerated by in silico analysis. Since supporting evidence is limited at this time, the clinical significance of this alteration remains unclear.

PreventionGenetics, part of Exact Sciences
Classification: Uncertain significance for MYLK-related condition. Last evaluated: 2023-06-22. Review status: criteria provided, single submitter. Criteria: ACMG Guidelines, 2015. Collection method: clinical testing. Allele origin: germline.
Comment: The MYLK c.454C>T variant is predicted to result in the amino acid substitution p.Arg152Cys. This variant has been reported as a variant of uncertain significance in an individual with sudden cardiac death due to thoracic aortic dissection (Sample TAD_16, Gago-Díaz et al. 2017. PubMed ID: 28391405). This variant is reported in 0.014% of alleles in individuals of Latino descent in gnomAD. At this time, the clinical significance of this variant is uncertain due to the absence of conclusive functional and genetic evidence.

Fulgent Genetics
Classification: Uncertain significance for Megacystis-microcolon-intestinal hypoperistalsis syndrome 1; Aortic aneurysm, familial thoracic 7. Last evaluated: 2022-02-23. Review status: criteria provided, single submitter. Criteria: ACMG Guidelines, 2015. Collection method: clinical testing. Allele origin: unknown.

Literature cited by the submitters: PubMed 28391405 (cited by Ambry Genetics).